The following is an entry in ClinVar:

ClinVar aggregate classification (germline): Uncertain significance (1 of 4 stars; one submission).

Conditions:
TRIO-related disorder. Also called: TRIO-related condition; TRIO-related disorders.

Allele frequency attached by ClinVar (database versions not stated): gnomAD exomes 0.00001; TOPMed 0.00001; gnomAD 0.00003.
gnomAD v4.1: 13 of 1,565,358 alleles (0.00083%); highest among the groups gnomAD compares: South Asian, 0.007%; no homozygotes.

Submission:

PreventionGenetics, part of Exact Sciences
Classification: Uncertain significance for TRIO-related condition. Last evaluated: 2023-01-30. Review status: criteria provided, single submitter. Criteria: ACMG Guidelines, 2015. Collection method: clinical testing. Allele origin: germline.
Comment: The TRIO c.5381A>G variant is predicted to result in the amino acid substitution p.Lys1794Arg. To our knowledge, this variant has not been reported in the literature. This variant is reported in 0.011% of alleles in individuals of African descent in gnomAD. At this time, the clinical significance of this variant is uncertain due to the absence of conclusive functional and genetic evidence.

NM_007118.4(TRIO):c.5381A>G (p.Lys1794Arg)

Gene: TRIO (trio Rho guanine nucleotide exchange factor; plus strand). Cytogenetic location: 5p15.2.
Variant type: single nucleotide variant.
Coding change: c.5381A>G on transcript NM_007118.4 (MANE Select); coding-DNA position 5381, A replaced by G.
Protein change: p.Lys1794Arg; replaces lysine 1794 with arginine.
Molecular consequence: missense variant. On other transcripts: non-coding transcript variant (1).
Genome position (GRCh38, 1-based): chr5:14,461,196, A>G. VCF-style: chr5-14461196-A-G. GRCh37 (hg19) VCF-style: chr5-14461305-A-G.
Other names: short protein forms K1794R.
Identifiers: ClinVar variation 2629618 (VCV002629618.1), dbSNP rs1452357416, ClinGen allele CA359227827.
Genomic context (GRCh38, chr5:14,461,196, plus strand): 5'-GCAAGTGGCTCACCAGCCCCGTGCGGCGGCTCAGCAGCGGCAAGGCCGACGGGCACGTGA[A>G]GAAGCTGGCGCACAAGCACAAGAAGAGCCGCGAGGTCCGCAAGAGCGCCGACGCCGGCTC-3'
Protein context (NP_009049.2, residues 1784-1804): LSSGKADGHV[Lys1794Arg]KLAHKHKKSR